The following is an entry in ClinVar:

ClinVar aggregate classification (germline): Pathogenic (1 of 4 stars; one submission).

Conditions:
Congenital adrenal hyperplasia. Identifiers: Orphanet 418, MedGen C0001627, MONDO:0018479, HP:0008258.

Submission:

Women's Health and Genetics/Laboratory Corporation of America, LabCorp
Classification: Pathogenic for Congenital adrenal hyperplasia. Last evaluated: 2024-09-13. Review status: criteria provided, single submitter. Criteria: LabCorp Variant Classification Summary - May 2015. Collection method: clinical testing. Allele origin: germline.
Comment: Variant summary: The variant involves the deletion of exons 1-3 in the CYP21A2 gene. A presumed nomenclature of c.(?_-9)_(447+1_448-1)del has been designated for the purposes of this classification. The exact breakpoint at the 5' end of this variant is unknown, therefore this deletion may extend upstream of the annotated region of this gene. Although the exact breakpoints of this deletion are not known, it is predicted to remove the initiation codon and result in an absence of protein or a truncation of the encoded protein due to translation initiation at a downstream site. The variant was absent in 21694 control chromosomes in the gnomAD database (Structural Variants v2.1 dataset). However, the CYP21A2 gene is known to be affected by pseudogene interference, therefore the gnomAD frequency data for copy number variants in this region might not be reliable. Exon 1-3 deletions have been reported in the literature in several affected individuals (e.g. Tolba_2022, Zhao_2023). These data indicate that the variant is very likely to be associated with disease. To our knowledge, no experimental evidence demonstrating an impact on protein function has been reported. The following publications have been ascertained in the context of this evaluation (PMID: 35309130, 36866166). No submitters have cited clinical-significance assessments for this variant to ClinVar. Based on the evidence outlined above, the variant was classified as pathogenic.

Literature cited by the submitters: PubMed 35309130; PubMed 36866166.

NC_000006.11:g.(?_32006191)_(32007026_32007132)del

Gene: CYP21A2 (cytochrome P450 family 21 subfamily A member 2; plus strand). Cytogenetic location: 6p21.33.
Variant type: Deletion.
Identifiers: ClinVar variation 3374834 (VCV003374834.1).